The following is an entry in ClinVar:

ClinVar aggregate classification (germline): Likely benign. Review status: criteria provided, single submitter (1 of 4 stars). 2 submissions from 1 submitter: Likely benign (2). Last evaluated 2018-01-13.

Conditions:
Arterial calcification, generalized, of infancy, 1 (GACI1). Also called: Idiopathic Infantile Arterial Calcification. Identifiers: Orphanet 51608, MedGen C4551985, MONDO:0008817, OMIM 208000.
Hypophosphatemic rickets, autosomal recessive, 2 (ARHR2). Identifiers: Orphanet 289176, MedGen C2750078, MONDO:0013219, OMIM 613312.

Allele frequency attached by ClinVar (database versions not stated): 1000 Genomes Project 0.00300; 1000 Genomes Project 30x 0.00375; gnomAD 0.00523 and 0.00539; TOPMed 0.00532.

Submissions (2):

Illumina Laboratory Services, Illumina
Classification: Likely benign for Arterial calcification, generalized, of infancy, 1. Last evaluated: 2018-01-13. Review status: criteria provided, single submitter. Criteria: ICSL Variant Classification Criteria 13 December 2019. Collection method: clinical testing. Allele origin: germline.
Comment: This variant was observed in the ICSL laboratory as part of a predisposition screen in an ostensibly healthy population. It had not been previously curated by ICSL or reported in the Human Gene Mutation Database (HGMD: prior to June 1st, 2018), and was therefore a candidate for classification through an automated scoring system. Utilizing variant allele frequency, disease prevalence and penetrance estimates, and inheritance mode, an automated score was calculated to assess if this variant is too frequent to cause the disease. Based on the score and internal cut-off values, a variant classified as likely benign is not then subjected to further curation. The score for this variant resulted in a classification of likely benign for this disease.

Illumina Laboratory Services, Illumina
Classification: Likely benign for Hypophosphatemic rickets, autosomal recessive, 2. Last evaluated: 2018-01-13. Review status: criteria provided, single submitter. Criteria: ICSL Variant Classification Criteria 13 December 2019. Collection method: clinical testing. Allele origin: germline.
Comment: the same text as in the submission from Illumina Laboratory Services, Illumina above.

NM_006208.3(ENPP1):c.*1122A>G

Gene: ENPP1 (ectonucleotide pyrophosphatase/phosphodiesterase 1; plus strand). Cytogenetic location: 6q23.2.
Variant type: single nucleotide variant.
Coding change: c.*1122A>G on transcript NM_006208.3 (MANE Select); 1122 bases downstream of the stop codon, A replaced by G.
Molecular consequence: 3 prime UTR variant.
Genome position (GRCh38, 1-based): chr6:131,891,633, A>G. VCF-style: chr6-131891633-A-G. GRCh37 (hg19) VCF-style: chr6-132212773-A-G.
Identifiers: ClinVar variation 355379 (VCV000355379.5), dbSNP rs148507889, ClinGen allele CA10621426.
Genomic context (GRCh38, chr6:131,891,633, plus strand): 5'-CAAAGACTGCATTAACTTTTAGGCTACATAGGTCCAATTGAGGTATAATATCAGTACACC[A>G]AAGATTTTTATATGTCCTTCGTGTGACCATTCTTCAACGGCCTAAGGGCCAGCTGCAAAG-3'